The following continues an entry in ClinVar:

NM_000158.4(GBE1):c.986A>C (p.Tyr329Ser)

Gene: GBE1. ClinVar aggregate classification (germline): Pathogenic. Pathogenic (22).

Submissions 14 to 26 of 26:

GeneDx
Classification: Pathogenic. Last evaluated: 2022-06-03. Review status: criteria provided, single submitter. Criteria: GeneDx Variant Classification Process June 2021. Collection method: clinical testing. Allele origin: germline. Affected: yes.
Comment: Published functional studies demonstrate that the variant is associated with 50% of GBE activity when compared to wild type (Bao et al., 1996); In silico analysis supports that this missense variant has a deleterious effect on protein structure/function; Common pathogenic variant in the Ashkenazi Jewish population (Akman et al., 2015); This variant is associated with the following publications: (PMID: 24082139, 30185673, 20655781, 26385640, 30228975, 25133958, 31692161, 34103343, 31980526, 31589614, 9851430, 32746448, 33332610, 25665141, 8613547)

Broad Center for Mendelian Genomics, Broad Institute of MIT and Harvard
Classification: Pathogenic for Adult polyglucosan body disease. Last evaluated: 2022-01-27. Review status: criteria provided, single submitter. Criteria: ACMG Guidelines, 2015. Collection method: curation. Allele origin: germline. Inheritance: Autosomal recessive inheritance.
Comment: The p.Tyr329Ser variant in GBE1 has been reported in many individuals with GBE1-related disorders (PMID: 8613547, 9851430, 20655781, 23034915, 25133958, 25665141, 33332610), segregated with disease in 4 affected relatives from 3 families (PMID: 9851430, 20655781, 33332610), and has been identified in 0.6% (65/10038) of Ashkenazi Jewish chromosomes by the Genome Aggregation Database (gnomAD; dbSNP ID: rs80338671). Although this variant has been seen in the general population in a heterozygous state, its frequency is not high enough to rule out a pathogenic role. This variant has also been reported in ClinVar (Variation ID#: 2777) and has been interpreted as pathogenic by multiple submitters in ClinVar. Of the many affected individuals, at least 2 of those were homozygotes, which increases the likelihood that the p.Tyr329Ser variant is pathogenic (PMID: 8613547, 9851430, 20655781, 23034915, 25133958, 25665141, 33332610). Animal models in mice have shown that this variant causes GBE1-related disorders (PMID: 26385640). Computational prediction tools and conservation analyses suggest that this variant may impact the protein. In summary, this variant meets criteria to be classified as pathogenic for autosomal recessive GBE1-related disorder. ACMG/AMP Criteria applied: PP3, PM3, PP1_strong, PS3 (Richards 2015).

Women's Health and Genetics/Laboratory Corporation of America, LabCorp
Classification: Pathogenic for Glycogen storage disease, type IV. Last evaluated: 2021-08-27. Review status: criteria provided, single submitter. Criteria: LabCorp Variant Classification Summary - May 2015. Collection method: clinical testing. Allele origin: germline.
Comment: Variant summary: GBE1 c.986A>C (p.Tyr329Ser) results in a non-conservative amino acid change located in the Glycosyl hydrolase, family 13, catalytic domain (IPR006047) of the encoded protein sequence. Five of five in-silico tools predict a damaging effect of the variant on protein function. The variant allele was found at a frequency of 0.00032 in 248464 control chromosomes (gnomAD). c.986A>C has been reported in the literature in multiple compound heterozygous and homozygous individuals affected with Adult Polyglucosan Body Disease (APBD) and Glycogen Storage Disease, Type IV (e.g. Bao_1996, Roe_2010, Mochel_2012). APBD occurs most frequently in patients of Ashkenazi Jewish origin due to partial deficiency of the glycogen brancher enzyme, which is most commonly caused by the p.Tyr329Ser mutation (Roe_2010). These data indicate that the variant is very likely to be associated with disease. Experimental evidence demonstrated the variant results in protein destabilization and in reduced enzyme activity compared to wild-type (Bao_1996, Akman_2015, Froese_2015). Eleven ClinVar submitters (evaluation after 2014) cite the variant as pathogenic. Based on the evidence outlined above, the variant was classified as pathogenic.

Division Of Personalized Genomic Medicine, Columbia University Irving Medical Center
Classification: Pathogenic for Adult polyglucosan body disease. Last evaluated: 2021-07-12. Review status: criteria provided, single submitter. Criteria: ACMG Guidelines, 2015. Collection method: clinical testing. Allele origin: germline. Inheritance: Autosomal recessive inheritance. Affected: yes. Observed: 1 compound heterozygote.
Comment: The variant in the GBE1 gene, c.986A>C is a missense variant, resulting in a tyrosine to serine protein substitution at position 329 (p.Tyr329Ser). This variant localizes to coding exon 7 of the GBE1 gene (16 exons in total; NM_000158.4) and is predicted to damage protein structure and/or function based on in silico analyses (Provean and SIFT). Functional studies show the expression of the recombinant protein carrying the p.Tyr329Ser variant results in drastically reduced protein yield and solubility, suggesting that the variant leads to protein misfolding (PMID: 26199317). The variant has also been shown to result in decreased enzyme activity ranging from undetectable levels to 50% of wild type (PMID: 8613547). This variant has been reported in several studies in either a homozygous or compound heterozygous state with a second known pathogenic variant in unrelated individuals with glycogen storage disease type IV or adult polyglucosan body disease (PMID: 9851430; 20655781; 22106711; 23034915; 25665141; 28265589; 32455116). It is also the most common variant associated with adult polyglucosan body disease in the Ashkenazi Jewish population (PMID: 25665141). This variant is reported in the Genome Aggregation Database (gnomAD) with an allele frequency of 79/248464 (no homozygote), indicating it is not a common benign variant in the populations represented in this database. It has already been interpreted as pathogenic by multiple laboratories in the ClinVar database (variation ID: 2777).

Undiagnosed Diseases Network, NIH
Classification: Pathogenic for Adult polyglucosan body disease. Last evaluated: 2021-04-07. Review status: criteria provided, single submitter. Criteria: ACMG Guidelines, 2015. Collection method: clinical testing. Allele origin: unknown. Inheritance: Autosomal recessive inheritance. Affected: yes. Observed: 1 compound heterozygote, 1 homozygote. Study: Undiagnosed Diseases Network (NIH), UDN.

Myriad Genetics, Inc.
Classification: Pathogenic for Glycogen storage disease, type IV. Last evaluated: 2019-12-20. Review status: criteria provided, single submitter. Criteria: Myriad Women's Health Autosomal Recessive and X-Linked Classification Criteria (2019). Collection method: clinical testing. Allele origin: unknown.
Comment: NM_000158.3(GBE1):c.986A>C(Y329S) is classified as pathogenic in the context of GBE1-related disorders and may be associated with adult polyglucosan body disease. Sources cited for classification include the following: 25665141, 8613547, 26385640, 26199317 and 23607684. Classification of NM_000158.3(GBE1):c.986A>C(Y329S) is based on the following criteria: This is a well-established pathogenic variant in the literature that has been observed more frequently in patients with clinical diagnoses than in healthy populations. Please note: this variant was assessed in the context of healthy population screening.

Illumina Laboratory Services, Illumina
Classification: Pathogenic for GBE1-Related Disorders. Last evaluated: 2018-09-07. Review status: criteria provided, single submitter. Criteria: ICSL Variant Classification Criteria 09 May 2019. Collection method: clinical testing. Allele origin: germline.
Comment: The GBE1 c.986A>C (p.Tyr329Ser) missense variant has been reported in at least six studies in which it is found in a total of 82 individuals with glycogen storage disease type IV or adult polyglucosan body disease, including in 48 in a homozygous state, in 25 in a compound heterozygous state, and in nine in a heterozygous state where a second variant was not detected (Bao et al. 1996; Lossos et al. 1998; Roe et al. 2010; DiMauro and Spiegel 2011; Mochel et al. 2013; Akman et al. 2015). The p.Tyr329Ser variant was absent from 143 controls but is reported at a frequency of 0.00045 in the European (non-Finnish) population of the Exome Aggregation Consortium. Functional studies demonstrated that the expression of recombinant protein carrying the p.Tyr329Ser variant resulted in a drastically reduced protein yield and solubility, suggesting that the variant leads to protein misfolding (Froese et al. 2015). The variant has also been shown to result in decreased enzyme activity ranging from undetectable levels to 50% of wild type (Bao et al. 1996; Lossos et al. 1998; Mochel et al. 2013; Akman et al. 2015). Based on the collective evidence, the p.Tyr329Ser variant is classified as pathogenic for GBE1-related disorders. This variant was observed by ICSL as part of a predisposition screen in an ostensibly healthy population.

CeGaT Center for Human Genetics Tuebingen
Classification: Pathogenic. Last evaluated: 2017-04-01. Review status: criteria provided, single submitter. Criteria: CeGaT Center For Human Genetics Tuebingen Variant Classification Criteria Version 2. Collection method: clinical testing. Allele origin: germline. Affected: yes. Observed: 1 variant allele.

Eurofins Ntd Llc (ga)
Classification: Pathogenic. Last evaluated: 2017-01-27. Review status: criteria provided, single submitter. Criteria: EGL Classification Definitions 2015. Collection method: clinical testing. Allele origin: germline. Observed: 5 variant alleles, 5 heterozygotes.

Reproductive Health Research and Development, BGI Genomics
Classification: Pathogenic for Polyglucosan body disease, adult. Last evaluated: 2020-01-06. Review status: no assertion criteria provided. Collection method: curation. Allele origin: germline. Not counted in ClinVar's aggregate classification.
Comment: NM_000158.3:c.986A>C in the GBE1 gene has an allele frequency of 0.006 in Ashkenazi Jewish subpopulation in the gnomAD database. The c.986A>C (p.Tyr329Ser) missense variant has been reported in multiple individuals with glycogen storage disease type IV or adult polyglucosan body disease, both in homozygous state and compound heterozygous state: p.Y329S/p.L224P, p.Y329S/p.R565Q, p.Y329S/c.2003delA, p.Y329C/p.N556Y (PMID: 20655781; 23034915). Functional studies showed the Y329S variant has 50% of GBE activity when compared to wild type (PMID: 8613547). Taken together, we interprete this variant as Pathogenic/Likely pathogenic variant. ACMG/AMP Criteria applied: PS3, PM3_Strong, PP4.

OMIM
Classification: Pathogenic for GLYCOGEN STORAGE DISEASE IV, NONPROGRESSIVE HEPATIC. Last evaluated: 1998-12-01. Review status: no assertion criteria provided. Collection method: literature only. Allele origin: germline. Not counted in ClinVar's aggregate classification.

OMIM
Classification: Pathogenic for ADULT POLYGLUCOSAN BODY NEUROPATHY. Last evaluated: 1998-12-01. Review status: no assertion criteria provided. Collection method: literature only. Allele origin: germline. Not counted in ClinVar's aggregate classification.

GeneReviews
No classification provided. Condition: Glycogen storage disease, type IV. Review status: no classification provided. Collection method: literature only. Allele origin: unknown. Not counted in ClinVar's aggregate classification.

Literature cited by the submitters: PubMed 8613547 (cited by 9 submitters); PubMed 20655781 (cited by 6 submitters); PubMed 24082139 (cited by Labcorp Genetics (formerly Invitae), Labcorp); PubMed 25133958 (cited by 3 submitters); PubMed 25665141 (cited by 9 submitters); PubMed 26199317 (cited by 7 submitters); PubMed 26385640 (cited by 5 submitters); PubMed 28507268 (cited by Natera, Inc.); PubMed 23034915 (cited by 8 submitters); PubMed 30293248 (cited by Dasa); PubMed 27747161 (cited by Mayo Clinic Laboratories, Mayo Clinic); PubMed 9851430 (cited by 4 submitters); PubMed 22106711 (cited by Division Of Personalized Genomic Medicine, Columbia University Irving Medical Center and Illumina Laboratory Services, Illumina); PubMed 28265589 (cited by Division Of Personalized Genomic Medicine, Columbia University Irving Medical Center); PubMed 32455116 (cited by Division Of Personalized Genomic Medicine, Columbia University Irving Medical Center); PubMed 23607684 (cited by Myriad Genetics, Inc.); PubMed 20301758 (cited by GeneReviews); NCBI Bookshelf NBK5300 (cited by GeneReviews).